The following is an entry in ClinVar:

NM_001371623.1(TCOF1):c.1269G>A (p.Ala423=)

Gene: TCOF1 (treacle ribosome biogenesis factor 1; plus strand). Cytogenetic location: 5q32.
Variant type: single nucleotide variant.
Coding change: c.1269G>A on transcript NM_001371623.1 (MANE Select); coding-DNA position 1269, G replaced by A.
Protein change: p.Ala423=; no amino-acid change (alanine 423 retained).
Molecular consequence: synonymous variant.
Genome position (GRCh38, 1-based): chr5:150,374,802, G>A. VCF-style: chr5-150374802-G-A. GRCh37 (hg19) VCF-style: chr5-149754365-G-A.
Other names: c.1038G>A, p.Ala346= (NM_000356.4, NM_001135245.2); c.1269G>A, p.Ala423= (NM_001008657.3, NM_001135243.2, NM_001135244.2 and 1 more transcripts).
Identifiers: ClinVar variation 704788 (VCV000704788.13), dbSNP rs72492454, ClinGen allele CA3510804.

ClinVar aggregate classification (germline): Benign. Review status: criteria provided, multiple submitters, no conflicts (2 of 4 stars). 2 submissions from 2 submitters: Benign (2). Last evaluated 2026-01-14.

Conditions:
Treacher Collins syndrome 1 (TCS1). Also called: TCOF1-Related Treacher Collins Syndrome. Identifiers: Orphanet 861, MedGen CN315775, MONDO:0007944, OMIM 154500.

Allele frequency attached by ClinVar (database versions not stated): ESP Exome Variant Server 0.00015; TOPMed 0.00123; ExAC 0.00173; gnomAD exomes 0.00193; 1000 Genomes Project 30x 0.00328; 1000 Genomes Project 0.00359.
gnomAD v4.1: 781 of 1,607,288 alleles (0.049%); highest among the groups gnomAD compares: East Asian, 1.4%; 5 homozygotes.

Submissions (2):

Labcorp Genetics (formerly Invitae), Labcorp
Classification: Benign for Treacher Collins syndrome 1. Last evaluated: 2026-01-14. Review status: criteria provided, single submitter. Criteria: Invitae Variant Classification Sherloc (09022015). Collection method: clinical testing. Allele origin: germline.

GeneDx
Classification: Benign. Last evaluated: 2019-05-22. Review status: criteria provided, single submitter. Criteria: GeneDx Variant Classification Process June 2021. Collection method: clinical testing. Allele origin: germline. Affected: yes.
Comment: This variant is associated with the following publications: (PMID: 29230583)